The following is an entry in ClinVar:

ClinVar aggregate classification (germline): Uncertain significance (1 of 4 stars; one submission).

Conditions:
Neurodevelopmental disorder with hypotonia, stereotypic hand movements, and impaired language. Also called: Intellectual disability, autosomal dominant 20. Identifiers: Orphanet 228384, Orphanet 664410, MedGen C3150700, MONDO:0013266, OMIM 613443.

Submission:

Labcorp Genetics (formerly Invitae), Labcorp
Classification: Uncertain significance for Neurodevelopmental disorder with hypotonia, stereotypic hand movements, and impaired language. Last evaluated: 2022-11-02. Review status: criteria provided, single submitter. Criteria: Invitae Variant Classification Sherloc (09022015). Collection method: clinical testing. Allele origin: germline.
Comment: In summary, the available evidence is currently insufficient to determine the role of this variant in disease. Therefore, it has been classified as a Variant of Uncertain Significance. Advanced modeling of protein sequence and biophysical properties (such as structural, functional, and spatial information, amino acid conservation, physicochemical variation, residue mobility, and thermodynamic stability) has been performed at Invitae for this missense variant, however the output from this modeling did not meet the statistical confidence thresholds required to predict the impact of this variant on MEF2C protein function. This variant has not been reported in the literature in individuals affected with MEF2C-related conditions. This variant is not present in population databases (gnomAD no frequency). This sequence change replaces proline, which is neutral and non-polar, with threonine, which is neutral and polar, at codon 229 of the MEF2C protein (p.Pro229Thr).

NM_002397.5(MEF2C):c.685C>A (p.Pro229Thr)

Gene: MEF2C (myocyte enhancer factor 2C; minus strand). Cytogenetic location: 5q14.3.
Variant type: single nucleotide variant.
Coding change: c.685C>A on transcript NM_002397.5 (MANE Select); coding-DNA position 685, C replaced by A.
Protein change: p.Pro229Thr; replaces proline 229 with threonine.
Molecular consequence: missense variant.
Genome position (GRCh38, 1-based): chr5:88,731,854, G>T on the plus strand (C>A on the coding strand, the complement: MEF2C is on the minus strand). VCF-style: chr5-88731854-G-T. GRCh37 (hg19) VCF-style: chr5-88027671-G-T.
Other names: c.679C>A, p.Pro227Thr (NM_001131005.2, NM_001364343.2, NM_001364352.2); c.739C>A, p.Pro247Thr (NM_001193347.1, NM_001364338.2); c.541C>A, p.Pro181Thr (NM_001193348.1, NM_001193349.3, NM_001364344.2 and 3 more transcripts); c.685C>A, p.Pro229Thr (NM_001364336.2, NM_001364337.2, NM_001364339.2 and 18 more transcripts); c.307C>A, p.Pro103Thr (NM_001364356.2, NM_001364353.2); c.259C>A, p.Pro87Thr (NM_001364357.2); short protein forms P87T, P181T, P227T, P247T, P103T, P229T.
Identifiers: ClinVar variation 2811017 (VCV002811017.3), dbSNP rs1162864526, ClinGen allele CA360423433.
Genomic context (GRCh38, chr5:88,731,854, plus strand): 5'-TCATTCCTAAATTCATTGGGGGAGGAGATTTTGCTTGCATATTCTTGTTCAAGTTACCAG[G>T]TGAGACCAGCAGACCTGGTGAGTTTCGGGGATTGCCATACCCGTTCCCTGTTAACAAAAA-3'
Protein context (NP_002388.2, residues 219-239): PRNSPGLLVS[Pro229Thr]GNLNKNMQAK